The following is an entry in ClinVar:

ClinVar aggregate classification (germline): Uncertain significance (1 of 4 stars; one submission).

Allele frequency attached by ClinVar (database versions not stated): gnomAD exomes below 0.00001.
gnomAD v4.1: 1 of 1,211,068 alleles (0.000083%); highest among the groups gnomAD compares: Non-Finnish European, 0.00011%; no homozygotes.

Submission:

Labcorp Genetics (formerly Invitae), Labcorp
Classification: Uncertain significance. Last evaluated: 2024-05-15. Review status: criteria provided, single submitter. Criteria: Invitae Variant Classification Sherloc (09022015). Collection method: clinical testing. Allele origin: germline.
Comment: This sequence change replaces threonine, which is neutral and polar, with serine, which is neutral and polar, at codon 398 of the MID1 protein (p.Thr398Ser). This variant is not present in population databases (gnomAD no frequency). This variant has not been reported in the literature in individuals affected with MID1-related conditions. ClinVar contains an entry for this variant (Variation ID: 1354275). Advanced modeling of protein sequence and biophysical properties (such as structural, functional, and spatial information, amino acid conservation, physicochemical variation, residue mobility, and thermodynamic stability) performed at Invitae indicates that this missense variant is not expected to disrupt MID1 protein function with a negative predictive value of 80%. In summary, the available evidence is currently insufficient to determine the role of this variant in disease. Therefore, it has been classified as a Variant of Uncertain Significance.

NM_000381.4(MID1):c.1193C>G (p.Thr398Ser)

Gene: MID1 (midline 1; minus strand). Cytogenetic location: Xp22.2.
Variant type: single nucleotide variant.
Coding change: c.1193C>G on transcript NM_000381.4 (MANE Select); coding-DNA position 1193, C replaced by G.
Protein change: p.Thr398Ser; replaces threonine 398 with serine.
Molecular consequence: missense variant.
Genome position (GRCh38, 1-based): chrX:10,469,789, G>C on the plus strand (C>G on the coding strand, the complement: MID1 is on the minus strand). VCF-style: chrX-10469789-G-C. GRCh37 (hg19) VCF-style: chrX-10437829-G-C.
Other names: c.1193C>G, p.Thr398Ser (NM_001098624.2, NM_001193277.1, NM_001193279.1 and 2 more transcripts); c.1346C>G, p.Thr449Ser (NM_001193278.1); c.1079C>G, p.Thr360Ser (NM_001193280.1, NM_033289.2); short protein forms T398S, T360S, T449S.
Identifiers: ClinVar variation 1354275 (VCV001354275.6), dbSNP rs2147280579, ClinGen allele CA412052297.